The following is an entry in ClinVar:

NM_005413.4(SIX3):c.452T>A (p.Ile151Asn)

Gene: SIX3 (SIX homeobox 3; plus strand). Cytogenetic location: 2p21.
Variant type: single nucleotide variant.
Coding change: c.452T>A on transcript NM_005413.4 (MANE Select); coding-DNA position 452, T replaced by A.
Protein change: p.Ile151Asn; replaces isoleucine 151 with asparagine.
Molecular consequence: missense variant.
Genome position (GRCh38, 1-based): chr2:44,942,556, T>A. VCF-style: chr2-44942556-T-A. GRCh37 (hg19) VCF-style: chr2-45169695-T-A.
Other names: short protein forms I151N.
Identifiers: ClinVar variation 3899778 (VCV003899778.1).
Genomic context (GRCh38, chr2:44,942,556, plus strand): 5'-TCCTGCGCGCGCGCGCCGTGGTCGCCTTCCACACGGGCAACTTCCGCGACCTCTACCACA[T>A]CCTTGAGAACCACAAGTTCACCAAGGAGTCTCACGGCAAGCTGCAGGCCATGTGGCTCGA-3'
Protein context (NP_005404.1, residues 141-161): HTGNFRDLYH[Ile151Asn]LENHKFTKES

ClinVar aggregate classification (germline): Uncertain significance (1 of 4 stars; one submission).

Submission:

GeneDx
Classification: Uncertain significance. Last evaluated: 2024-11-15. Review status: criteria provided, single submitter. Criteria: GeneDx Variant Classification Process June 2021. Collection method: clinical testing. Allele origin: germline. Affected: yes.
Comment: Not observed at significant frequency in large population cohorts (gnomAD); In silico analysis supports that this missense variant has a deleterious effect on protein structure/function; Has not been previously published as pathogenic or benign to our knowledge